The following is an entry in ClinVar:

NM_020533.3(MCOLN1):c.641dup (p.Ser214fs)

Gene: MCOLN1 (mucolipin TRP cation channel 1; plus strand). Cytogenetic location: 19p13.2.
Variant type: Duplication.
Coding change: c.641dup on transcript NM_020533.3 (MANE Select); coding-DNA position 641, one base duplicated (G; older notation c.641dupG).
Protein change: p.Ser214fs; shifts the reading frame from serine 214.
Molecular consequence: frameshift variant.
Genome position (GRCh38, 1-based): chr19:7,527,589, G duplicated. VCF-style (leftmost placement, unchanged base first): chr19-7527588-A-AG. GRCh37 (hg19) VCF-style: chr19-7592474-A-AG.
Other names: short protein forms S214fs.
Identifiers: ClinVar variation 3124442 (VCV003124442.1), dbSNP rs2512470594, ClinGen allele CA2825002816.

ClinVar aggregate classification (germline): Pathogenic (1 of 4 stars; one submission).

Conditions:
Inborn genetic diseases. Identifiers: MedGen C0950123, MeSH D030342.

Submission:

Ambry Genetics
Classification: Pathogenic for Inborn genetic diseases. Last evaluated: 2023-12-04. Review status: criteria provided, single submitter. Criteria: Ambry Variant Classification Scheme 2023. Collection method: clinical testing. Allele origin: germline.
Comment: The c.641dupG (p.S214Rfs*28) alteration, located in exon 5 (coding exon 5) of the MCOLN1 gene, consists of a duplication of G at position 641, causing a translational frameshift with a predicted alternate stop codon after 28 amino acids. This alteration is expected to result in loss of function by premature protein truncation or nonsense-mediated mRNA decay. This variant was not reported in population-based cohorts in the Genome Aggregation Database (gnomAD). Based on the available evidence, this alteration is classified as pathogenic.